The following is an entry in ClinVar:

ClinVar aggregate classification (germline): Uncertain significance (1 of 4 stars; one submission).

Conditions:
Familial cold autoinflammatory syndrome 3 (FCAS3). Also called: FAMILIAL ATYPICAL COLD URTICARIA; ANTIBODY DEFICIENCY AND IMMUNE DYSREGULATION, PLCG2-ASSOCIATED. Identifiers: Orphanet 300359, MedGen C3280914, MONDO:0013766, OMIM 614468.

gnomAD v4.1: 2 of 1,599,782 alleles (0.00013%); highest among the groups gnomAD compares: Non-Finnish European, 0.000086%; no homozygotes.

Submission:

Labcorp Genetics (formerly Invitae), Labcorp
Classification: Uncertain significance for Familial cold autoinflammatory syndrome 3. Last evaluated: 2025-03-18. Review status: criteria provided, single submitter. Criteria: Invitae Variant Classification Sherloc (09022015). Collection method: clinical testing. Allele origin: germline.
Comment: This sequence change replaces isoleucine, which is neutral and non-polar, with phenylalanine, which is neutral and non-polar, at codon 451 of the PLCG2 protein (p.Ile451Phe). This variant is not present in population databases (gnomAD no frequency). This variant has not been reported in the literature in individuals affected with PLCG2-related conditions. ClinVar contains an entry for this variant (Variation ID: 1494196). An algorithm developed to predict the effect of missense changes on protein structure and function (PolyPhen-2) suggests that this variant is likely to be tolerated. In summary, the available evidence is currently insufficient to determine the role of this variant in disease. Therefore, it has been classified as a Variant of Uncertain Significance.

NM_002661.5(PLCG2):c.1351A>T (p.Ile451Phe)

Gene: PLCG2 (phospholipase C gamma 2; plus strand). Cytogenetic location: 16q23.3.
Variant type: single nucleotide variant.
Coding change: c.1351A>T on transcript NM_002661.5 (MANE Select); coding-DNA position 1351, A replaced by T.
Protein change: p.Ile451Phe; replaces isoleucine 451 with phenylalanine.
Molecular consequence: missense variant.
Genome position (GRCh38, 1-based): chr16:81,900,769, A>T. VCF-style: chr16-81900769-A-T. GRCh37 (hg19) VCF-style: chr16-81934374-A-T.
Other names: short protein forms I451F.
Identifiers: ClinVar variation 1494196 (VCV001494196.6), dbSNP rs1424969556, ClinGen allele CA396899528.